The following is an entry in ClinVar:

ClinVar aggregate classification (germline): Likely benign (1 of 4 stars; one submission).

gnomAD v4.1: 1 of 1,614,018 alleles (0.000062%); highest among the groups gnomAD compares: African/African-American, 0.0013%; no homozygotes.

Submission:

CeGaT Center for Human Genetics Tuebingen
Classification: Likely benign. Last evaluated: 2026-03-01. Review status: criteria provided, single submitter. Criteria: CeGaT Center For Human Genetics Tuebingen Variant Classification Criteria Version 2. Collection method: clinical testing. Allele origin: germline. Affected: yes. Observed: 1 variant allele.
Comment: MACF1: BP4, BP7

NM_001394062.1(MACF1):c.20913G>A (p.Gln6971=)

Gene: MACF1 (microtubule actin crosslinking factor 1; plus strand). Cytogenetic location: 1p34.3.
Variant type: single nucleotide variant.
Coding change: c.20913G>A on transcript NM_001394062.1 (MANE Select); coding-DNA position 20913, G replaced by A.
Protein change: p.Gln6971=; no amino-acid change (glutamine 6971 retained).
Molecular consequence: synonymous variant.
Genome position (GRCh38, 1-based): chr1:39,454,935, G>A. VCF-style: chr1-39454935-G-A. GRCh37 (hg19) VCF-style: chr1-39920607-G-A.
Other names: c.8991G>A, p.Gln2997= (NM_001397473.1); c.14736G>A, p.Gln4912= (NM_012090.5).
Identifiers: ClinVar variation 4823593 (VCV004823593.4).